The following is an entry in ClinVar:

ClinVar aggregate classification (germline): Uncertain significance (1 of 4 stars; one submission).

Submission:

Labcorp Genetics (formerly Invitae), Labcorp
Classification: Uncertain significance. Last evaluated: 2023-07-17. Review status: criteria provided, single submitter. Criteria: Invitae Variant Classification Sherloc (09022015). Collection method: clinical testing. Allele origin: germline.
Comment: In summary, the available evidence is currently insufficient to determine the role of this variant in disease. Therefore, it has been classified as a Variant of Uncertain Significance. Advanced modeling of protein sequence and biophysical properties (such as structural, functional, and spatial information, amino acid conservation, physicochemical variation, residue mobility, and thermodynamic stability) performed at Invitae indicates that this missense variant is not expected to disrupt RUNX2 protein function. ClinVar contains an entry for this variant (Variation ID: 2000427). This variant has not been reported in the literature in individuals affected with RUNX2-related conditions. This variant is not present in population databases (gnomAD no frequency). This sequence change replaces alanine, which is neutral and non-polar, with serine, which is neutral and polar, at codon 83 of the RUNX2 protein (p.Ala83Ser).

NM_001024630.4(RUNX2):c.247G>T (p.Ala83Ser)

Genes: RUNX2 (RUNX family transcription factor 2; plus strand), LOC109611589 (runt related transcription factor 2 polyalanine expansion region; plus strand). Cytogenetic location: 6p21.1.
Variant type: single nucleotide variant.
Coding change: c.247G>T on transcript NM_001024630.4 (MANE Select); coding-DNA position 247, G replaced by T.
Protein change: p.Ala83Ser; replaces alanine 83 with serine.
Molecular consequence: missense variant.
Genome position (GRCh38, 1-based): chr6:45,422,781, G>T. VCF-style: chr6-45422781-G-T. GRCh37 (hg19) VCF-style: chr6-45390518-G-T.
Other names: c.247G>T, p.Ala83Ser (NM_001015051.4); c.205G>T, p.Ala69Ser (NM_001278478.2, NM_001369405.1, NM_004348.3); short protein forms A83S, A69S.
Identifiers: ClinVar variation 2000427 (VCV002000427.4), dbSNP rs2548582062, ClinGen allele CA363958050.